The following is an entry in ClinVar:

NM_015100.4(POGZ):c.-1-1G>A

Gene: POGZ (pogo transposable element derived with ZNF domain; minus strand). Cytogenetic location: 1q21.3.
Variant type: single nucleotide variant.
Coding change: c.-1-1G>A on transcript NM_015100.4 (MANE Select); the canonical splice acceptor site of the intron before 1 bases upstream of the start codon, G replaced by A.
Molecular consequence: splice acceptor variant.
Genome position (GRCh38, 1-based): chr1:151,442,206, C>T on the plus strand (G>A on the coding strand, the complement: POGZ is on the minus strand). VCF-style: chr1-151442206-C-T. GRCh37 (hg19) VCF-style: chr1-151414682-C-T.
Other names: c.-1-1G>A (NM_001194938.2, NM_145796.4, NM_001194937.2); c.21-1G>A (NM_001410860.1).
Identifiers: ClinVar variation 3730869 (VCV003730869.1).

ClinVar aggregate classification (germline): Uncertain significance (1 of 4 stars; one submission).

Submission:

GeneDx
Classification: Uncertain significance. Last evaluated: 2024-08-16. Review status: criteria provided, single submitter. Criteria: GeneDx Variant Classification Process June 2021. Collection method: clinical testing. Allele origin: germline. Affected: yes.
Comment: Not observed in large population cohorts (gnomAD); In silico analysis supports a deleterious effect on splicing; Has not been previously published as pathogenic or benign to our knowledge